The following is an entry in ClinVar:

NM_000069.3(CACNA1S):c.148T>C (p.Trp50Arg)

Gene: CACNA1S (calcium voltage-gated channel subunit alpha1 S; minus strand). Cytogenetic location: 1q32.1.
Variant type: single nucleotide variant.
Coding change: c.148T>C on transcript NM_000069.3 (MANE Select); coding-DNA position 148, T replaced by C.
Protein change: p.Trp50Arg; replaces tryptophan 50 with arginine.
Molecular consequence: missense variant.
Genome position (GRCh38, 1-based): chr1:201,112,192, A>G on the plus strand (T>C on the coding strand, the complement: CACNA1S is on the minus strand). VCF-style: chr1-201112192-A-G. GRCh37 (hg19) VCF-style: chr1-201081320-A-G.
Other names: short protein forms W50R.
Identifiers: ClinVar variation 2579756 (VCV002579756.4), dbSNP rs574267605, ClinGen allele CA078261.
Genomic context (GRCh38, chr1:201,112,192, plus strand): 5'-CGAATCCCTCCCTCATGACGCACACCCCCCCCCACGGCCCGGGCCCTGAAGGATACTTCC[A>G]TTCTACAATGCTGATGCAGGCCTTCCTCAGGGGGTTCTCCAGGGTCAGGCAGAACAAGGC-3'
Protein context (NP_000060.2, residues 40-60): LRKACISIVE[Trp50Arg]KPFETIILLT

ClinVar aggregate classification (germline): Uncertain significance. Review status: criteria provided, multiple submitters, no conflicts (2 of 4 stars). 2 submissions from 2 submitters: Uncertain significance (2). Last evaluated 2025-08-29.

Conditions:
Hypokalemic periodic paralysis, type 1. Also called: HypoPP; Hypokalemic Periodic Paralysis Type 1 (AD). Identifiers: Orphanet 681, MedGen C3714580, MONDO:0042979, OMIM 170400.
Malignant hyperthermia, susceptibility to, 5 (MHS5). Also called: CACNA1S-Related Malignant Hyperthermia Susceptibility. Identifiers: Orphanet 423, MedGen C1866077, MONDO:0011163, OMIM 601887.

Allele frequency attached by ClinVar (database versions not stated): ExAC 0.00001; gnomAD exomes 0.00001; 1000 Genomes Project 30x 0.00016; 1000 Genomes Project 0.00020.
gnomAD v4.1: 7 of 1,612,116 alleles (0.00043%); highest among the groups gnomAD compares: South Asian, 0.0077%; no homozygotes.

Submissions (2):

GeneDx
Classification: Uncertain significance. Last evaluated: 2025-08-29. Review status: criteria provided, single submitter. Criteria: GeneDx Variant Classification Process June 2021. Collection method: clinical testing. Allele origin: germline.
Comment: In silico analysis supports that this missense variant has a deleterious effect on protein structure/function; Has not been previously published as pathogenic or benign to our knowledge

Labcorp Genetics (formerly Invitae), Labcorp
Classification: Uncertain significance for Hypokalemic periodic paralysis, type 1; Malignant hyperthermia, susceptibility to, 5. Last evaluated: 2024-03-18. Review status: criteria provided, single submitter. Criteria: Invitae Variant Classification Sherloc (09022015). Collection method: clinical testing. Allele origin: germline.
Comment: This sequence change replaces tryptophan, which is neutral and slightly polar, with arginine, which is basic and polar, at codon 50 of the CACNA1S protein (p.Trp50Arg). This variant is present in population databases (rs574267605, gnomAD 0.006%). This variant has not been reported in the literature in individuals affected with CACNA1S-related conditions. ClinVar contains an entry for this variant (Variation ID: 2579756). Advanced modeling of protein sequence and biophysical properties (such as structural, functional, and spatial information, amino acid conservation, physicochemical variation, residue mobility, and thermodynamic stability) performed at Invitae indicates that this missense variant is not expected to disrupt CACNA1S protein function with a negative predictive value of 80%. In summary, the available evidence is currently insufficient to determine the role of this variant in disease. Therefore, it has been classified as a Variant of Uncertain Significance.